The following is an entry in ClinVar:

NM_000384.3(APOB):c.1725C>A (p.Asn575Lys)

Gene: APOB (apolipoprotein B; minus strand). Cytogenetic location: 2p24.1.
Variant type: single nucleotide variant.
Coding change: c.1725C>A on transcript NM_000384.3 (MANE Select); coding-DNA position 1725, C replaced by A.
Protein change: p.Asn575Lys; replaces asparagine 575 with lysine.
Molecular consequence: missense variant.
Genome position (GRCh38, 1-based): chr2:21,028,431, G>T on the plus strand (C>A on the coding strand, the complement: APOB is on the minus strand). VCF-style: chr2-21028431-G-T. GRCh37 (hg19) VCF-style: chr2-21251303-G-T.
Other names: short protein forms N575K.
Identifiers: ClinVar variation 2923487 (VCV002923487.4), dbSNP rs761063067, ClinGen allele CA054476.

ClinVar aggregate classification (germline): Conflicting classifications of pathogenicity. Review status: criteria provided, conflicting classifications (1 of 4 stars). 2 submissions from 2 submitters: Uncertain significance (1); Benign (1). Last evaluated 2025-03-24.

Conditions:
Hypercholesterolemia, autosomal dominant, type B (FHCL2). Also called: APOB-Related Familial Hypercholesterolemia, Autosomal Dominant; Familial Hypercholesterolemia Type B; APOLIPOPROTEIN B-100, FAMILIAL DEFECTIVE; APOLIPOPROTEIN B-100, FAMILIAL LIGAND-DEFECTIVE; HYPERCHOLESTEROLEMIA, FAMILIAL, DUE TO LIGAND-DEFECTIVE APOLIPOPROTEIN B; Hyperlipoproteinemia Type IIb. Identifiers: MedGen C1704417, MONDO:0007751, OMIM 144010.
Familial hypobetalipoproteinemia 1. Also called: Hypobetalipoproteinemia, normotriglyceridemic; Acanthocytosis with hypobetalipoproteinemia; APOB-Related Familial Hypobetalipoproteinemia. Identifiers: MedGen C4551990, MONDO:0014252, OMIM 615558.

Allele frequency attached by ClinVar (database versions not stated): gnomAD below 0.00001 and 0.00001; TOPMed 0.00001; ExAC 0.00007.

Submissions (2):

Labcorp Genetics (formerly Invitae), Labcorp
Classification: Benign for Familial hypobetalipoproteinemia 1; Hypercholesterolemia, autosomal dominant, type B. Last evaluated: 2025-03-24. Review status: criteria provided, single submitter. Criteria: Invitae Variant Classification Sherloc (09022015). Collection method: clinical testing. Allele origin: germline.

GeneDx
Classification: Uncertain significance. Last evaluated: 2024-03-11. Review status: criteria provided, single submitter. Criteria: GeneDx Variant Classification Process June 2021. Collection method: clinical testing. Allele origin: germline. Affected: yes.
Comment: In silico analysis supports that this missense variant does not alter protein structure/function; Has not been previously published as pathogenic or benign to our knowledge